The following is an entry in ClinVar:

NM_000426.4(LAMA2):c.7381G>T (p.Asp2461Tyr)

Gene: LAMA2 (laminin subunit alpha 2; plus strand). Cytogenetic location: 6q22.33.
Variant type: single nucleotide variant.
Coding change: c.7381G>T on transcript NM_000426.4 (MANE Select); coding-DNA position 7381, G replaced by T.
Protein change: p.Asp2461Tyr; replaces aspartic acid 2461 with tyrosine.
Molecular consequence: missense variant.
Genome position (GRCh38, 1-based): chr6:129,473,294, G>T. VCF-style: chr6-129473294-G-T. GRCh37 (hg19) VCF-style: chr6-129794439-G-T.
Other names: c.7381G>T, p.Asp2461Tyr (NM_001079823.2); short protein forms D2461Y.
Identifiers: ClinVar variation 4707947 (VCV004707947.1).

ClinVar aggregate classification (germline): Uncertain significance (1 of 4 stars; one submission).

Conditions:
LAMA2-related muscular dystrophy (LAMA2-RD). Also called: Laminin alpha 2-related dystrophy. Identifiers: MedGen C5679788, MONDO:0100228.

gnomAD v4.1: 3 of 1,612,574 alleles (0.00019%); highest among the groups gnomAD compares: Non-Finnish European, 0.00025%; no homozygotes.

Submission:

Labcorp Genetics (formerly Invitae), Labcorp
Classification: Uncertain significance for LAMA2-related muscular dystrophy. Last evaluated: 2025-10-27. Review status: criteria provided, single submitter. Criteria: Invitae Variant Classification Sherloc (09022015). Collection method: clinical testing. Allele origin: germline.
Comment: This sequence change replaces aspartic acid, which is acidic and polar, with tyrosine, which is neutral and polar, at codon 2461 of the LAMA2 protein (p.Asp2461Tyr). This variant is not present in population databases (gnomAD no frequency). This variant has not been reported in the literature in individuals affected with LAMA2-related conditions. Invitae Evidence Modeling of protein sequence and biophysical properties (such as structural, functional, and spatial information, amino acid conservation, physicochemical variation, residue mobility, and thermodynamic stability) indicates that this missense variant is not expected to disrupt LAMA2 protein function with a negative predictive value of 95%. In summary, the available evidence is currently insufficient to determine the role of this variant in disease. Therefore, it has been classified as a Variant of Uncertain Significance.